The following is an entry in ClinVar:

NM_000368.5(TSC1):c.1166G>A (p.Gly389Glu)

Gene: TSC1 (TSC complex subunit 1; minus strand). Cytogenetic location: 9q34.13.
Variant type: single nucleotide variant.
Coding change: c.1166G>A on transcript NM_000368.5 (MANE Select); coding-DNA position 1166, G replaced by A.
Protein change: p.Gly389Glu; replaces glycine 389 with glutamic acid.
Molecular consequence: missense variant.
Genome position (GRCh38, 1-based): chr9:132,910,668, C>T on the plus strand (G>A on the coding strand, the complement: TSC1 is on the minus strand). VCF-style: chr9-132910668-C-T. GRCh37 (hg19) VCF-style: chr9-135786055-C-T.
Other names: c.1163G>A, p.Gly388Glu (NM_001162426.2); c.1013G>A, p.Gly338Glu (NM_001162427.2); c.803G>A, p.Gly268Glu (NM_001362177.2); short protein forms G268E, G338E, G388E, G389E.
Identifiers: ClinVar variation 839018 (VCV000839018.10), dbSNP rs752575728, ClinGen allele CA027210.

ClinVar aggregate classification (germline): Conflicting classifications of pathogenicity. Review status: criteria provided, conflicting classifications (1 of 4 stars). 4 submissions from 4 submitters: Uncertain significance (2); Likely benign (2). Last evaluated 2025-12-10.

Conditions:
Hereditary cancer-predisposing syndrome. Also called: Neoplastic Syndromes, Hereditary; Hereditary neoplastic syndrome; Tumor predisposition; Hereditary Cancer Syndrome. Identifiers: Orphanet 140162, MedGen C0027672, MeSH D009386, MONDO:0015356.
Tuberous sclerosis 1 (TSC1). Identifiers: Orphanet 805, MedGen C1854465, MONDO:0008612, OMIM 191100.
Tuberous sclerosis syndrome (TSC). Also called: Tuberous Sclerosis Complex; Tuberous sclerosis. Identifiers: Orphanet 805, MedGen C0041341, MONDO:0001734.

Allele frequency attached by ClinVar (database versions not stated): gnomAD exomes below 0.00001 and 0.00001; ExAC 0.00001; gnomAD 0.00001.

Submissions (4):

Labcorp Genetics (formerly Invitae), Labcorp
Classification: Likely benign for Tuberous sclerosis 1. Last evaluated: 2025-12-10. Review status: criteria provided, single submitter. Criteria: Invitae Variant Classification Sherloc (09022015). Collection method: clinical testing. Allele origin: germline.

Myriad Genetics, Inc.
Classification: Likely benign for Tuberous sclerosis 1. Last evaluated: 2024-08-07. Review status: criteria provided, single submitter. Criteria: Myriad Autosomal Dominant, Autosomal Recessive and X-Linked Classification Criteria (2023). Collection method: clinical testing. Allele origin: unknown.
Comment: This variant is considered likely benign. This variant has been observed at a population frequency that is significantly greater than expected given the associated disease prevalence and penetrance.

All of Us Research Program, National Institutes of Health
Classification: Uncertain significance for Tuberous sclerosis syndrome. Last evaluated: 2024-04-25. Review status: criteria provided, single submitter. Criteria: ACMG Guidelines, 2015. Collection method: clinical testing. Allele origin: germline. Inheritance: Autosomal dominant inheritance. Observed: 1 variant allele, 1 heterozygote.
Comment: This missense variant replaces glycine with glutamic acid at codon 389 of the TSC1 protein. Computational prediction is inconclusive regarding the impact of this variant on protein structure and function (internally defined REVEL score threshold 0.5 < inconclusive < 0.7, PMID: 27666373). To our knowledge, functional studies have not been reported for this variant. This variant has not been reported in individuals affected with TSC1-related disorders in the literature. This variant has been identified in 3/281894 chromosomes in the general population by the Genome Aggregation Database (gnomAD). The available evidence is insufficient to determine the role of this variant in disease conclusively. Therefore, this variant is classified as a Variant of Uncertain Significance.

This study involves interpretation of variants in research participants for the purpose of population health screening. Participant phenotype was not available at the time of variant classification. Additional details can be found in publication PMID: 35346344, PMCID: PMC8962531

Ambry Genetics
Classification: Uncertain significance for Hereditary cancer-predisposing syndrome. Last evaluated: 2023-09-10. Review status: criteria provided, single submitter. Criteria: Ambry Variant Classification Scheme 2023. Collection method: clinical testing. Allele origin: germline.
Comment: The p.G389E variant (also known as c.1166G>A), located in coding exon 10 of the TSC1 gene, results from a G to A substitution at nucleotide position 1166. The glycine at codon 389 is replaced by glutamic acid, an amino acid with similar properties. This amino acid position is conserved. In addition, this alteration is predicted to be deleterious by in silico analysis. Since supporting evidence is limited at this time, the clinical significance of this alteration remains unclear.